The following is an entry in ClinVar:

ClinVar aggregate classification (germline): Uncertain significance. Review status: criteria provided, multiple submitters, no conflicts (2 of 4 stars). 2 submissions from 2 submitters: Uncertain significance (2). Last evaluated 2025-09-06.

Conditions:
Inborn genetic diseases. Identifiers: MedGen C0950123, MeSH D030342.

Allele frequency attached by ClinVar (database versions not stated): ExAC 0.00001; gnomAD exomes 0.00001 and 0.00002; gnomAD 0.00005 and 0.00006; TOPMed 0.00005; ESP Exome Variant Server 0.00008.
gnomAD v4.1: 27 of 1,613,926 alleles (0.0017%); highest among the groups gnomAD compares: Middle Eastern, 0.016%; no homozygotes.

Submissions (2):

Labcorp Genetics (formerly Invitae), Labcorp
Classification: Uncertain significance. Last evaluated: 2025-09-06. Review status: criteria provided, single submitter. Criteria: Invitae Variant Classification Sherloc (09022015). Collection method: clinical testing. Allele origin: germline.
Comment: This sequence change replaces proline, which is neutral and non-polar, with serine, which is neutral and polar, at codon 272 of the ZNF408 protein (p.Pro272Ser). This variant is present in population databases (rs138812940, gnomAD 0.02%). This variant has not been reported in the literature in individuals affected with ZNF408-related conditions. ClinVar contains an entry for this variant (Variation ID: 971960). An algorithm developed to predict the effect of missense changes on protein structure and function outputs the following: PolyPhen-2: "Benign". The serine amino acid residue is found in multiple mammalian species, which suggests that this missense change does not adversely affect protein function. In summary, the available evidence is currently insufficient to determine the role of this variant in disease. Therefore, it has been classified as a Variant of Uncertain Significance.

Ambry Genetics
Classification: Uncertain significance for Inborn genetic diseases. Last evaluated: 2023-12-13. Review status: criteria provided, single submitter. Criteria: Ambry Variant Classification Scheme 2023. Collection method: clinical testing. Allele origin: germline.

NM_024741.3(ZNF408):c.814C>T (p.Pro272Ser)

Gene: ZNF408 (zinc finger protein 408; plus strand). Cytogenetic location: 11p11.2.
Variant type: single nucleotide variant.
Coding change: c.814C>T on transcript NM_024741.3 (MANE Select); coding-DNA position 814, C replaced by T.
Protein change: p.Pro272Ser; replaces proline 272 with serine.
Molecular consequence: missense variant.
Genome position (GRCh38, 1-based): chr11:46,704,514, C>T. VCF-style: chr11-46704514-C-T. GRCh37 (hg19) VCF-style: chr11-46726064-C-T.
Other names: c.790C>T, p.Pro264Ser (NM_001184751.2); short protein forms P264S, P272S.
Identifiers: ClinVar variation 971960 (VCV000971960.10), dbSNP rs138812940, ClinGen allele CA5966436.